The following is an entry in ClinVar:

ClinVar aggregate classification (germline): Uncertain significance (1 of 4 stars; one submission).

Submission:

Labcorp Genetics (formerly Invitae), Labcorp
Classification: Uncertain significance. Last evaluated: 2026-01-13. Review status: criteria provided, single submitter. Criteria: Invitae Variant Classification Sherloc (09022015). Collection method: clinical testing. Allele origin: germline.
Comment: This sequence change replaces glutamine, which is neutral and polar, with lysine, which is basic and polar, at codon 216 of the MICAL1 protein (p.Gln216Lys). This variant is not present in population databases (gnomAD no frequency). This variant has not been reported in the literature in individuals affected with MICAL1-related conditions. ClinVar contains an entry for this variant (Variation ID: 2858423). An algorithm developed to predict the effect of missense changes on protein structure and function (PolyPhen-2) suggests that this variant is likely to be tolerated. In summary, the available evidence is currently insufficient to determine the role of this variant in disease. Therefore, it has been classified as a Variant of Uncertain Significance.

NM_022765.4(MICAL1):c.589C>A (p.Gln197Lys)

Gene: MICAL1 (microtubule associated monooxygenase, calponin and LIM domain containing 1; minus strand). Cytogenetic location: 6q21.
Variant type: single nucleotide variant.
Coding change: c.589C>A on transcript NM_022765.4 (MANE Select); coding-DNA position 589, C replaced by A.
Protein change: p.Gln197Lys; replaces glutamine 197 with lysine.
Molecular consequence: missense variant.
Genome position (GRCh38, 1-based): chr6:109,452,598, G>T on the plus strand (C>A on the coding strand, the complement: MICAL1 is on the minus strand). VCF-style: chr6-109452598-G-T. GRCh37 (hg19) VCF-style: chr6-109773801-G-T.
Other names: c.589C>A, p.Gln197Lys (NM_001159291.2); c.646C>A, p.Gln216Lys (NM_001286613.2); short protein forms Q216K, Q197K.
Identifiers: ClinVar variation 2858423 (VCV002858423.3), dbSNP rs2482810611, ClinGen allele CA365232984.